The following continues an entry in ClinVar:

NM_000492.3(CFTR):c.3718-2477C>T

ClinVar aggregate classification (germline): Pathogenic. Pathogenic (1).

Submissions 12 to 29 of 32:

Quest Diagnostics Nichols Institute San Juan Capistrano
Classification: Pathogenic. Last evaluated: 2023-10-09. Review status: criteria provided, single submitter. Criteria: Quest Diagnostics criteria. Collection method: clinical testing. Allele origin: unknown. Not counted in ClinVar's aggregate classification.
Comment: The CFTR c.3718-2477C>T variant (also known as 3849+10kbC>T, c.3717+12191C>T) has been reported in the published literature to induce aberrant CFTR splicing, specifically the inclusion of an 84-bp pseudo exon containing a premature stop codon that reduced amount of normal CFTR mRNA synthesized (PMIDs: 7521937 (1994), 18456578 (2008), 28863137 (2017)). In addition, this variant has been reported in individuals with cystic fibrosis and CFTR-related disorders, typically associated with mild clinical manifestations and pancreatic sufficiency (PMIDs: 7521937 (1994), 8533846 (1995), 12767731 (2003), 15738290 (2005), 28603918 (2017)). This variant is a known CF mutation (PMID: 32404922 (2020), CFTR2). Based on the available information, this variant is classified as pathogenic.

Laboratory for Molecular Medicine, Mass General Brigham Personalized Medicine
Classification: Pathogenic for Cystic fibrosis. Last evaluated: 2022-11-03. Review status: criteria provided, single submitter. Criteria: ACMG Guidelines, 2015. Collection method: clinical testing. Allele origin: germline. Not counted in ClinVar's aggregate classification.
Comment: The c.3718-2477C>T variant in CFTR (also known as 3849+10kbC>T) has been reported, in the homozygous and compound heterozygous state, in numerous individuals with cystic fibrosis with and without pancreatic insufficiency (selected publications: Abeliovich 1992 PMID: 1384328, Highsmith 1994 PMID: 7521937, Liang 1998 PMID: 9719631, Watson 2004 PMID: 15371902, de Gracia 2005 PMID: 15994263, Duguépéroux 2005 PMID: 15738290, Ooi 2011 PMID: 20923678). It has also been identified in 0.2% (6/3470) of Ashkenazi Jewish chromosomes by gnomAD. This deep intronic variant was classified as Pathogenic on Mar 17 2017 by the ClinGen-approved CFTR2 expert panel (also pathogenic per practice guideline) (Variation ID 7166). In vitro functional studies have shown that this variant creates a cryptic splice site that causes the creation of a new exon containing an in-frame premature stop codon, the resulting mRNA is predicted to undergo nonsense-mediated decay (Highsmith 1994 PMID: 7521937). In summary, this variant meets criteria to be classified as pathogenic for autosomal recessive cystic fibrosis. ACMG/AMP Criteria applied: PM2_supporting, PM3_Very Strong, PS3.

Athena Diagnostics
Classification: Pathogenic. Last evaluated: 2022-07-03. Review status: criteria provided, single submitter. Criteria: Athena Diagnostics Criteria. Collection method: clinical testing. Allele origin: unknown. Not counted in ClinVar's aggregate classification.
Comment: This variant has been reported in affected individuals with Cystic Fibrosis, congenital bilateral absence of the vas deferens, and CFTR related diseases (PMIDs: 23974870 (2013), 24440181 (2014), 28603918 (2017), 28863137 (2017), and 29261177 (2018)). This variant has also been reported to result in aberrant CFTR splicing, specifically the inclusion of an 84-bp pseudo exon containing a premature stop codon (PMIDs: 24440181 (2014) and 28863137 (2017)).This observation is not an independent occurrence and has been identified in the same individual by RCIGM, the other laboratory participating in the GEMINI study.

Greenwood Genetic Center Diagnostic Laboratories, Greenwood Genetic Center
Classification: Pathogenic for Cystic fibrosis. Last evaluated: 2022-06-16. Review status: criteria provided, single submitter. Criteria: ACMG Guidelines, 2015. Collection method: clinical testing. Allele origin: germline. Affected: yes. Not counted in ClinVar's aggregate classification.
Comment: PS3, PM2, PM3_Very Strong, PP3

Department of Human Genetics, Hannover Medical School
Classification: Pathogenic for Cystic fibrosis. Last evaluated: 2022-04-13. Review status: criteria provided, single submitter. Criteria: ACMG Guidelines, 2015. Collection method: clinical testing. Allele origin: germline. Inheritance: Autosomal recessive inheritance. Affected: yes. Not counted in ClinVar's aggregate classification.

AiLife Diagnostics
Classification: Pathogenic. Last evaluated: 2022-03-18. Review status: criteria provided, single submitter. Criteria: ACMG Guidelines, 2015. Collection method: clinical testing. Allele origin: germline. Affected: yes. Observed: 1 variant allele. Not counted in ClinVar's aggregate classification.

Revvity Omics, Revvity
Classification: Pathogenic. Last evaluated: 2022-03-07. Review status: criteria provided, single submitter. Criteria: ACMG Guidelines, 2015. Collection method: clinical testing. Allele origin: germline. Not counted in ClinVar's aggregate classification.

CeGaT Center for Human Genetics Tuebingen
Classification: Pathogenic. Last evaluated: 2022-03-01. Review status: criteria provided, single submitter. Criteria: CeGaT Center For Human Genetics Tuebingen Variant Classification Criteria Version 2. Collection method: clinical testing. Allele origin: germline. Affected: yes. Observed: 3 variant alleles. Not counted in ClinVar's aggregate classification.
Comment: CFTR: PM3:Very Strong, PM2, PS3:Moderate

Sema4
Classification: Pathogenic for Hereditary pancreatitis. Last evaluated: 2021-11-01. Review status: criteria provided, single submitter. Criteria: Sema4 Curation Guidelines. Collection method: curation. Allele origin: germline. Not counted in ClinVar's aggregate classification.
Comment: The CFTR c.3718-2477C>T variant has been reported as homozygous and compound heterozygous in numerous individuals with cystic fibrosis (PMID: 1384328, 7521937, 9719631, 15371902, 15994263, 15738290, 20923678). It is also known as 3849+10kb C>T in the literature. The variant has been reported in patients with and without pancreatic insufficiency and to cause a variable phenotype (PMID: 9719631, 15994263, 15738290). Experimental studies have shown that this variant creates a cryptic splice site that causes the creation of a new exon containing an in-frame premature stop codon (PMID: 7521937). It was observed in 18/152004 chromosomes in the large and broad cohorts of the Genome Aggregation Database (PMID: 32461654). The variant has been reported in ClinVar (Variation ID 7166). Based on the current evidence available, this variant is interpreted as pathogenic.

Myriad Genetics, Inc.
Classification: Pathogenic for Cystic fibrosis. Last evaluated: 2019-11-12. Review status: criteria provided, single submitter. Criteria: Myriad Women's Health Autosomal Recessive and X-Linked Classification Criteria (2019). Collection method: clinical testing. Allele origin: unknown. Not counted in ClinVar's aggregate classification.
Comment: NM_000492.3(CFTR):c.3718-2477C>T(aka 3849+10kbC>T) is classified as pathogenic in the context of cystic fibrosis and is associated with non-classic disease. Sources cited for classification include the following: PMID 23974870. Classification of NM_000492.3(CFTR):c.3718-2477C>T(aka 3849+10kbC>T) is based on the following criteria: This is a well-established pathogenic variant in the literature that has been observed more frequently in patients with clinical diagnoses than in healthy populations. Please note: this variant was assessed in the context of healthy population screening.

Mendelics
Classification: Pathogenic for Cystic fibrosis. Last evaluated: 2018-11-05. Review status: criteria provided, single submitter. Criteria: Mendelics Assertion Criteria 2017. Collection method: clinical testing. Allele origin: unknown. Affected: yes. Not counted in ClinVar's aggregate classification.

Fulgent Genetics
Classification: Pathogenic for Hereditary pancreatitis; Bronchiectasis with or without elevated sweat chloride 1; Cystic fibrosis; Congenital bilateral aplasia of vas deferens from CFTR mutation. Last evaluated: 2018-10-31. Review status: criteria provided, single submitter. Criteria: ACMG Guidelines, 2015. Collection method: clinical testing. Allele origin: unknown. Not counted in ClinVar's aggregate classification.

CFTR-France
Classification: Pathogenic for cystic fibrosis; CFTR-related disorders. Last evaluated: 2018-01-29. Review status: criteria provided, single submitter. Criteria: Claustres M et al. (Hum Mutat 2017). Collection method: curation. Allele origin: germline. Affected: yes. Not counted in ClinVar's aggregate classification.
Comment: when the variant is in trans with another CF-causing variation, can either result in CF or in a CFTR-RD

Department of Genetics, Sultan Qaboos University Hospital
Classification: Pathogenic for Cystic fibrosis. Last evaluated: 2017-12-30. Review status: criteria provided, single submitter. Criteria: ACMG Guidelines, 2015. Collection method: clinical testing. Allele origin: unknown. Affected: yes. Not counted in ClinVar's aggregate classification.

Women's Health and Genetics/Laboratory Corporation of America, LabCorp
Classification: Pathogenic. Last evaluated: 2017-12-13. Review status: criteria provided, single submitter. Criteria: LabCorp Variant Classification Summary - May 2015. Collection method: clinical testing. Allele origin: germline. Not counted in ClinVar's aggregate classification.
Comment: Variant summary: The CFTR c.3718-2477C>T variant involves the alteration of a non-conserved deep intronic nucleotide. One in silico tool predicts a disease-causing outcome for this variant. 5/5 splice prediction tools predict a significant impact on splicing. Functional analysis confirms that this variant is associated with an abnormally spliced product (Highsmith_1994). This variant was found in 2/30924 control chromosomes (gnomAD) at a frequency of 0.0000647, which does not exceed the estimated maximal expected allele frequency of a pathogenic CFTR variant (0.0129603). The variant has been reported in multiple CF patients with a mild phenotype, including 3 homozygotes (Duguproux_2005, Gilbert_1995) and was included in the ACMG CFTR list (Watson_2004). In addition, multiple clinical diagnostic laboratories/reputable databases classified this variant as pathogenic. Taken together, this variant is classified as pathogenic.

Eurofins Ntd Llc (ga)
Classification: Pathogenic. Last evaluated: 2017-05-08. Review status: criteria provided, single submitter. Criteria: EGL Classification Definitions 2015. Collection method: clinical testing. Allele origin: germline. Observed: 2 variant alleles, 2 heterozygotes. Not counted in ClinVar's aggregate classification.

Juno Genomics, Hangzhou Juno Genomics, Inc
Classification: Pathogenic for Bronchiectasis with or without elevated sweat chloride 1; Hereditary pancreatitis; Congenital bilateral aplasia of vas deferens from CFTR mutation; Cystic fibrosis. Review status: criteria provided, single submitter. Criteria: ACMG Guidelines, 2015. Collection method: clinical testing. Allele origin: germline. Affected: yes. Not counted in ClinVar's aggregate classification.
Comment: Absent from controls (or at extremely low frequency if recessive) in Genome Aggregation Database.;For recessive disorders, detected in trans with a pathogenic variant.;Patient's phenotype or family history is highly specific for a disease with a single genetic etiology.

OMIM
Classification: Pathogenic for CYSTIC FIBROSIS. Last evaluated: 1993-07-03. Review status: no assertion criteria provided. Collection method: literature only. Allele origin: germline. Not counted in ClinVar's aggregate classification.